The following is an entry in ClinVar:

ClinVar aggregate classification (germline): Conflicting classifications of pathogenicity. Review status: criteria provided, conflicting classifications (1 of 4 stars). 5 submissions from 5 submitters: Uncertain significance (1); Likely benign (3). 1 of the submissions does not count toward it. Last evaluated 2025-10-13.

Conditions:
COL6A2-related disorder.
Bethlem myopathy 1A. Also called: MYOPATHY, BENIGN CONGENITAL, WITH CONTRACTURES; Bethlem myopathy 1; Bethlem Muscular Dystrophy. Identifiers: Orphanet 610, MedGen CN029274, MONDO:0024530, OMIM 158810.

Allele frequency attached by ClinVar (database versions not stated): gnomAD exomes 0.00007; gnomAD 0.00009; ExAC 0.00010; TOPMed 0.00013; ESP Exome Variant Server 0.00015; 1000 Genomes Project 0.00040; 1000 Genomes Project 30x 0.00047.
gnomAD v4.1: 52 of 1,600,938 alleles (0.0032%); highest among the groups gnomAD compares: African/African-American, 0.032%; no homozygotes.

Submissions (5):

Labcorp Genetics (formerly Invitae), Labcorp
Classification: Likely benign for Bethlem myopathy 1A. Last evaluated: 2025-10-13. Review status: criteria provided, single submitter. Criteria: Invitae Variant Classification Sherloc (09022015). Collection method: clinical testing. Allele origin: germline.

Blueprint Genetics
Classification: Likely benign. Last evaluated: 2021-08-25. Review status: criteria provided, single submitter. Criteria: ACMG Guidelines, 2015. Collection method: clinical testing. Allele origin: germline.

GeneDx
Classification: Likely benign. Last evaluated: 2017-11-14. Review status: criteria provided, single submitter. Criteria: GeneDx Variant Classification (06012015). Collection method: clinical testing. Allele origin: germline. Affected: yes.
Comment: This variant is considered likely benign or benign based on one or more of the following criteria: it is a conservative change, it occurs at a poorly conserved position in the protein, it is predicted to be benign by multiple in silico algorithms, and/or has population frequency not consistent with disease.

Eurofins Ntd Llc (ga)
Classification: Uncertain significance. Last evaluated: 2016-07-21. Review status: criteria provided, single submitter. Criteria: EGL Classification Definitions 2015. Collection method: clinical testing. Allele origin: germline. Observed: 1 variant allele, 1 heterozygote.

PreventionGenetics, part of Exact Sciences
Classification: Likely benign for COL6A2-related condition. Last evaluated: 2019-11-18. Review status: no assertion criteria provided. Collection method: clinical testing. Allele origin: germline. Not counted in ClinVar's aggregate classification.
Comment: This variant is classified as likely benign based on ACMG/AMP sequence variant interpretation guidelines (Richards et al. 2015 PMID: 25741868, with internal and published modifications).

NM_001849.4(COL6A2):c.2745G>A (p.Ser915=)

Gene: COL6A2 (collagen type VI alpha 2 chain; plus strand). Cytogenetic location: 21q22.3.
Variant type: single nucleotide variant.
Coding change: c.2745G>A on transcript NM_001849.4 (MANE Select); coding-DNA position 2745, G replaced by A.
Protein change: p.Ser915=; no amino-acid change (serine 915 retained).
Molecular consequence: synonymous variant.
Genome position (GRCh38, 1-based): chr21:46,132,237, G>A. VCF-style: chr21-46132237-G-A. GRCh37 (hg19) VCF-style: chr21-47552151-G-A.
Identifiers: ClinVar variation 288740 (VCV000288740.20), dbSNP rs144516266, ClinGen allele CA10073002.
Genomic context (GRCh38, chr21:46,132,237, plus strand): 5'-CCACAACCTCACGGCCATCCACGAGGCGCTGGAGACCACACAATACCTGAACTCCTTCTC[G>A]CACGTGGGCGCAGGCGTGGTGCACGCCATCAATGCCATCGTGCGCAGCCCGCGTGGCGGG-3'
Protein context (NP_001840.3, residues 905-925): LETTQYLNSF[Ser915=]HVGAGVVHAI